The following is an entry in ClinVar:

ClinVar aggregate classification (germline): Pathogenic. Review status: criteria provided, single submitter (1 of 4 stars). 2 submissions from 2 submitters: Pathogenic (1). 1 of the submissions does not count toward it. Last evaluated 2025-09-05.

Conditions:
Retinitis pigmentosa 38 (RP38). Also called: ROD-CONE DYSTROPHY, CHILDHOOD-ONSET. Identifiers: Orphanet 791, MedGen C3151228, MONDO:0013469, OMIM 613862.

Submissions (2):

Labcorp Genetics (formerly Invitae), Labcorp
Classification: Pathogenic. Last evaluated: 2025-09-05. Review status: criteria provided, single submitter. Criteria: Invitae Variant Classification Sherloc (09022015). Collection method: clinical testing. Allele origin: germline.
Comment: This sequence change creates a premature translational stop signal (p.Cys738Leufs*31) in the MERTK gene. It is expected to result in an absent or disrupted protein product. Loss-of-function variants in MERTK are known to be pathogenic (PMID: 24265693, 29659094). This variant is present in population databases (no rsID available, gnomAD 0.0009%). This variant has not been reported in the literature in individuals affected with MERTK-related conditions. ClinVar contains an entry for this variant (Variation ID: 845892). For these reasons, this variant has been classified as Pathogenic.

Clinical Genetics Laboratory, University Hospital Schleswig-Holstein
Classification: Pathogenic for Retinitis pigmentosa 38. Last evaluated: 2023-05-02. Review status: no assertion criteria provided. Collection method: clinical testing. Allele origin: germline. Affected: yes. Not counted in ClinVar's aggregate classification.

Literature cited by the submitters: PubMed 24265693 (cited by Labcorp Genetics (formerly Invitae), Labcorp); PubMed 29659094 (cited by Labcorp Genetics (formerly Invitae), Labcorp).

NM_006343.3(MERTK):c.2211_2214del (p.Cys738fs)

Gene: MERTK (MER proto-oncogene, tyrosine kinase; plus strand). Cytogenetic location: 2q13.
Variant type: Microsatellite.
Coding change: c.2211_2214del on transcript NM_006343.3 (MANE Select); coding-DNA positions 2211 to 2214, 4 bases deleted (CTGT; older notation c.2211_2214delCTGT).
Protein change: p.Cys738fs; shifts the reading frame from cysteine 738.
Molecular consequence: frameshift variant.
Genome position (GRCh38, 1-based): chr2:112,021,443-112,021,446, CTGT deleted; deleting any 4 consecutive bases within chr2:112,021,439-112,021,446 gives the same sequence; the c. name uses the placement nearest the transcript's 3' end. VCF-style (leftmost placement, unchanged base first): chr2-112021438-ACTGT-A. GRCh37 (hg19) VCF-style: chr2-112779015-ACTGT-A.
Other names: short protein forms C738fs.
Identifiers: ClinVar variation 845892 (VCV000845892.8), dbSNP rs1487540503, ClinGen allele CA535594846.